The following is an entry in ClinVar:

ClinVar aggregate classification (germline): Uncertain significance (1 of 4 stars; one submission).

Conditions:
Neutral lipid storage myopathy (NLSDM). Also called: NEUTRAL LIPID STORAGE DISEASE WITHOUT ICHTHYOSIS. Identifiers: Orphanet 98908, MedGen C1853136, MONDO:0012545, OMIM 610717.

Allele frequency attached by ClinVar (database versions not stated): gnomAD exomes 0.00001; TOPMed 0.00001; 1000 Genomes Project 30x 0.00016.

Submission:

Labcorp Genetics (formerly Invitae), Labcorp
Classification: Uncertain significance for Neutral lipid storage myopathy. Last evaluated: 2023-08-03. Review status: criteria provided, single submitter. Criteria: Invitae Variant Classification Sherloc (09022015). Collection method: clinical testing. Allele origin: germline.
Comment: In summary, the available evidence is currently insufficient to determine the role of this variant in disease. Therefore, it has been classified as a Variant of Uncertain Significance. Advanced modeling of protein sequence and biophysical properties (such as structural, functional, and spatial information, amino acid conservation, physicochemical variation, residue mobility, and thermodynamic stability) performed at Invitae indicates that this missense variant is not expected to disrupt PNPLA2 protein function. ClinVar contains an entry for this variant (Variation ID: 2049735). This variant has not been reported in the literature in individuals affected with PNPLA2-related conditions. The frequency data for this variant in the population databases is considered unreliable, as metrics indicate poor data quality at this position in the gnomAD database. This sequence change replaces arginine, which is basic and polar, with tryptophan, which is neutral and slightly polar, at codon 243 of the PNPLA2 protein (p.Arg243Trp).

NM_020376.4(PNPLA2):c.727C>T (p.Arg243Trp)

Gene: PNPLA2 (patatin like domain 2, triacylglycerol lipase; plus strand). Cytogenetic location: 11p15.5.
Variant type: single nucleotide variant.
Coding change: c.727C>T on transcript NM_020376.4 (MANE Select); coding-DNA position 727, C replaced by T.
Protein change: p.Arg243Trp; replaces arginine 243 with tryptophan.
Molecular consequence: missense variant.
Genome position (GRCh38, 1-based): chr11:823,557, C>T. VCF-style: chr11-823557-C-T. GRCh37 (hg19) VCF-style: chr11-823557-C-T.
Other names: short protein forms R243W.
Identifiers: ClinVar variation 2049735 (VCV002049735.2), dbSNP rs1333439634, ClinGen allele CA378980881.